The following is an entry in ClinVar:

NM_001012720.2(RGR):c.478A>G (p.Thr160Ala)

Gene: RGR (retinal G protein coupled receptor; plus strand). Cytogenetic location: 10q23.1.
Variant type: single nucleotide variant.
Coding change: c.478A>G on transcript NM_001012720.2 (MANE Select); coding-DNA position 478, A replaced by G.
Protein change: p.Thr160Ala; replaces threonine 160 with alanine.
Molecular consequence: missense variant.
Genome position (GRCh38, 1-based): chr10:84,252,976, A>G. VCF-style: chr10-84252976-A-G. GRCh37 (hg19) VCF-style: chr10-86012732-A-G.
Other names: c.478A>G, p.Thr160Ala (NM_001012722.2); c.490A>G, p.Thr164Ala (NM_002921.4); short protein forms T164A, T160A.
Identifiers: ClinVar variation 1041504 (VCV001041504.8), dbSNP rs779703570, ClinGen allele CA5581449.

ClinVar aggregate classification (germline): Uncertain significance (1 of 4 stars; one submission).

Allele frequency attached by ClinVar (database versions not stated): gnomAD exomes below 0.00001; ExAC 0.00001.
gnomAD v4.1: 4 of 1,613,900 alleles (0.00025%); highest among the groups gnomAD compares: Non-Finnish European, 0.00034%; no homozygotes.

Submission:

Labcorp Genetics (formerly Invitae), Labcorp
Classification: Uncertain significance. Last evaluated: 2020-10-20. Review status: criteria provided, single submitter. Criteria: Invitae Variant Classification Sherloc (09022015). Collection method: clinical testing. Allele origin: germline.
Comment: In summary, the available evidence is currently insufficient to determine the role of this variant in disease. Therefore, it has been classified as a Variant of Uncertain Significance. Algorithms developed to predict the effect of missense changes on protein structure and function are either unavailable or do not agree on the potential impact of this missense change (SIFT: "Deleterious"; PolyPhen-2: "Not Available"; Align-GVGD: "Class C55"). This variant has not been reported in the literature in individuals with RGR-related conditions. The frequency data for this variant in the population databases is considered unreliable, as metrics indicate poor data quality at this position in the ExAC database. This sequence change replaces threonine with alanine at codon 160 of the RGR protein (p.Thr160Ala). The threonine residue is highly conserved and there is a small physicochemical difference between threonine and alanine.